The following is an entry in ClinVar:

ClinVar aggregate classification (germline): Conflicting classifications of pathogenicity. Review status: criteria provided, conflicting classifications (1 of 4 stars). 3 submissions from 3 submitters: Likely pathogenic (1); Uncertain significance (2). Last evaluated 2023-07-17.

Conditions:
Ventriculomegaly-cystic kidney disease. Also called: Ventriculomegaly with cystic kidney disease. Identifiers: Orphanet 443988, MedGen C1857423, MONDO:0009063, OMIM 219730.

Allele frequency attached by ClinVar (database versions not stated): gnomAD exomes 0.00001; gnomAD 0.00002; ExAC 0.00015.
gnomAD v4.1: 17 of 1,549,920 alleles (0.0011%); highest among the groups gnomAD compares: South Asian, 0.02%; no homozygotes.

Submissions (3):

Victorian Clinical Genetics Services, Murdoch Childrens Research Institute
Classification: Likely pathogenic for Ventriculomegaly-cystic kidney disease. Last evaluated: 2023-07-17. Review status: criteria provided, single submitter. Criteria: ACMG Guidelines, 2015. Collection method: clinical testing. Allele origin: germline. Inheritance: Autosomal recessive inheritance. Affected: yes.
Comment: Based on the classification scheme VCGS_Germline_v1.3.4, this variant is classified as Likely pathogenic. Following criteria are met: 0102 - Loss of function is a known mechanism of disease in this gene and is associated with focal segmental glomerulosclerosis 9 (MIM#616220) and ventriculomegaly with cystic kidney disease (MIM#219730). (I) 0106 - This gene is associated with autosomal recessive disease. (I) 0115 - Variants in this gene are known to have variable expressivity (PMID: 27867342). (I) 0200 - Variant is predicted to result in a missense amino acid change from cysteine to serine. (I) 0251 - This variant is heterozygous. (I) 0304 - Variant is present in gnomAD (v2) <0.01 for a recessive condition (5 heterozygotes, 0 homozygotes). (SP) 0501 - Missense variant consistently predicted to be damaging by multiple in silico tools or highly conserved with a major amino acid change. (SP) 0604 - Variant is not located in an established domain, motif, hotspot or informative constraint region. (I) 0704 - Another missense variant comparable to the one identified in this case has limited previous evidence for pathogenicity. p.(Cys1129Arg) has been observed as likely compound heterozygous with a frameshift variant in one individual with ventriculomegaly and echogenic kidneys (PMID: 27004616). (SP) 0803 - This variant has limited previous evidence of pathogenicity in an unrelated fetus. This variant has been observed as homozygous in one fetus with hydrocephalus and bilateral echogenic kidneys (Kesari, 2021). An alternative variant (c.3386G>C) causing the same protein substitution has also been observed in an individual with CRB2-related syndrome, with no information on the zygosity or the presence of a second hit in this individual (PMID: 27867342). (SP) 0905 - No published segregation evidence has been identified for this variant. (I) 1007 - No published functional evidence has been identified for this variant. (I) 1201 - Heterozygous variant detected in trans with a second pathogenic heterozygous variant (NM_173689.6(CRB2):c.823C>T; p.(Arg275*)) in a recessive disease. (I) Legend: (SP) - Supporting pathogenic, (I) - Information, (SB) - Supporting benign

GeneDx
Classification: Uncertain significance. Last evaluated: 2023-05-04. Review status: criteria provided, single submitter. Criteria: GeneDx Variant Classification Process June 2021. Collection method: clinical testing. Allele origin: germline. Affected: yes.
Comment: In silico analysis supports that this missense variant has a deleterious effect on protein structure/function; Has not been previously published as pathogenic or benign to our knowledge

Blueprint Genetics
Classification: Uncertain significance. Last evaluated: 2020-01-27. Review status: criteria provided, single submitter. Criteria: ACMG Guidelines, 2015. Collection method: clinical testing. Allele origin: germline.

Literature cited by the submitters: PubMed 27004616 (cited by Victorian Clinical Genetics Services, Murdoch Childrens Research Institute); PubMed 27867342 (cited by Victorian Clinical Genetics Services, Murdoch Childrens Research Institute).

NM_173689.7(CRB2):c.3385T>A (p.Cys1129Ser)

Gene: CRB2 (crumbs cell polarity complex component 2; plus strand). Cytogenetic location: 9q33.3.
Variant type: single nucleotide variant.
Coding change: c.3385T>A on transcript NM_173689.7 (MANE Select); coding-DNA position 3385, T replaced by A.
Protein change: p.Cys1129Ser; replaces cysteine 1129 with serine.
Molecular consequence: missense variant. On other transcripts: non-coding transcript variant (1).
Genome position (GRCh38, 1-based): chr9:123,373,916, T>A. VCF-style: chr9-123373916-T-A. GRCh37 (hg19) VCF-style: chr9-126136195-T-A.
Other names: short protein forms C1129S.
Identifiers: ClinVar variation 2663383 (VCV002663383.3), dbSNP rs773704775, ClinGen allele CA5232434.